The following is an entry in ClinVar:

ClinVar aggregate classification (germline): Likely pathogenic (1 of 4 stars; one submission).

Conditions:
Achondrogenesis type II (ACG2). Also called: ACHONDROGENESIS, LANGER-SALDINO TYPE; CHONDROGENESIS IMPERFECTA. Identifiers: Orphanet 932, Orphanet 93296, MedGen C0220685, MONDO:0008702, OMIM 200610.
Avascular necrosis of femoral head, primary, 1 (ANFH1). Also called: Avascular necrosis of femoral head, primary. Identifiers: Orphanet 86820, MedGen C4551562, MONDO:0054550, OMIM 608805.
Multiple epiphyseal dysplasia, Beighton type. Identifiers: Orphanet 166011, MedGen C1851536, MONDO:0007562, OMIM 132450.
Platyspondylic dysplasia, Torrance type (PLSDT). Identifiers: Orphanet 85166, MedGen C1835437, MONDO:0007895, OMIM 151210.
Legg-Calve-Perthes disease. Also called: PERTHES DISEASE; Osteochondritis deformans; Coxa plana; Avascular necrosis of the capital femoral epiphysis. Identifiers: Orphanet 2380, MedGen C1442965, MONDO:0007885, OMIM 150600, HP:0005743.
Spondyloepiphyseal dysplasia congenita (SEDC). Also called: SED CONGENITA; SPONDYLOEPIPHYSEAL DYSPLASIA, CONGENITAL TYPE. Identifiers: Orphanet 94068, MedGen C2745959, MONDO:0008471, OMIM 183900.
Kniest dysplasia. Identifiers: Orphanet 485, MedGen C0265279, MONDO:0007987, OMIM 156550.
Namaqualand hip dysplasia (OSCDP). Also called: Mild spondyloepiphyseal dysplasia due to COL2A1 mutation with early-onset osteoarthritis. Identifiers: Orphanet 93279, MedGen C0432214, MONDO:0011496, OMIM 604864.
Spondyloperipheral dysplasia. Also called: SPONDYLOPERIPHERAL DYSPLASIA WITH SHORT ULNA; Spondyloperipheral dysplasia-short ulna syndrome. Identifiers: Orphanet 1856, MedGen C0796173, MONDO:0010078, OMIM 271700.
Stickler syndrome type 1 (STL1). Also called: ARTHROOPHTHALMOPATHY, HEREDITARY PROGRESSIVE; STICKLER SYNDROME, MEMBRANOUS VITREOUS TYPE; STICKLER SYNDROME, VITREOUS TYPE 1; COL2A1-Related Stickler Syndrome. Identifiers: Orphanet 828, Orphanet 90653, MedGen C2020284, MONDO:0007160, OMIM 108300.
Spondyloepiphyseal dysplasia with metatarsal shortening. Also called: Pseudorheumatoid dysplasia progressive, with hypoplastic toes; CZECH DYSPLASIA, METATARSAL TYPE; SPONDYLOEPIPHYSEAL DYSPLASIA WITH PRECOCIOUS OSTEOARTHRITIS. Identifiers: Orphanet 137678, MedGen C1836683, MONDO:0012206, OMIM 609162.
Stickler syndrome, type I, nonsyndromic ocular. Also called: STICKLER SYNDROME, TYPE I, PREDOMINANTLY OCULAR; STICKLER SYNDROME, ATYPICAL. Identifiers: MedGen C1836080, MONDO:0012287, OMIM 609508.
Vitreoretinopathy with phalangeal epiphyseal dysplasia (VPED). Identifiers: MedGen C1852989, MONDO:0031001, OMIM 619248.
Spondyloepiphyseal dysplasia, Stanescu type. Also called: SED, STANESCU TYPE; SPONDYLOEPIMETAPHYSEAL DYSPLASIA, STANESCU TYPE. Identifiers: Orphanet 459051, MedGen C4225273, MONDO:0014701, OMIM 616583.
Spondyloepimetaphyseal dysplasia, Strudwick type (SEMDSTWK). Also called: DAPPLED METAPHYSIS SYNDROME; STRUDWICK SYNDROME. Identifiers: Orphanet 93346, MedGen C0700635, MONDO:0008476, OMIM 184250.

Submission:

Juno Genomics, Hangzhou Juno Genomics, Inc
Classification: Likely pathogenic for Multiple epiphyseal dysplasia, Beighton type; Achondrogenesis type II; Avascular necrosis of femoral head, primary, 1; Spondyloepiphyseal dysplasia with metatarsal shortening; Kniest dysplasia; Legg-Calve-Perthes disease; Namaqualand hip dysplasia; Platyspondylic dysplasia, Torrance type; Spondyloepiphyseal dysplasia congenita; Spondyloepimetaphyseal dysplasia, Strudwick type; Spondyloepiphyseal dysplasia, Stanescu type; Spondyloperipheral dysplasia; Stickler syndrome, type I, nonsyndromic ocular; Stickler syndrome type 1; Vitreoretinopathy with phalangeal epiphyseal dysplasia. Review status: criteria provided, single submitter. Criteria: ACMG Guidelines, 2015. Collection method: clinical testing. Allele origin: germline. Affected: yes.
Comment: Absent from controls (or at extremely low frequency if recessive) in Genome Aggregation Database, Exome Sequencing Project, 1000 Genomes Project, or Exome Aggregation Consortium.;Assumed de novo, but without confirmation of paternity and maternity.;Multiple lines of computational evidence support a deleterious effect on the gene or gene product (conservation, evolutionary, splicing impact, etc).;Missense variant in a gene that has a low rate of benign missense variation and where missense variants are a common mechanism of disease.;Patient's phenotype or family history is highly specific for a disease with a single genetic etiology.

NM_001844.5(COL2A1):c.3293G>A (p.Gly1098Glu)

Gene: COL2A1 (collagen type II alpha 1 chain; minus strand). Cytogenetic location: 12q13.11.
Variant type: single nucleotide variant.
Coding change: c.3293G>A on transcript NM_001844.5 (MANE Select); coding-DNA position 3293, G replaced by A.
Protein change: p.Gly1098Glu; replaces glycine 1098 with glutamic acid.
Molecular consequence: missense variant.
Genome position (GRCh38, 1-based): chr12:47,977,136, C>T on the plus strand (G>A on the coding strand, the complement: COL2A1 is on the minus strand). VCF-style: chr12-47977136-C-T. GRCh37 (hg19) VCF-style: chr12-48370919-C-T.
Other names: c.3086G>A, p.Gly1029Glu (NM_033150.3); short protein forms G1029E, G1098E.
Identifiers: ClinVar variation 3382294 (VCV003382294.2).